The following is an entry in ClinVar:

NM_001267550.2(TTN):c.63614A>T (p.Lys21205Ile)

Genes: TTN (titin; minus strand), TTN-AS1 (TTN antisense RNA 1; plus strand). Cytogenetic location: 2q31.2.
Variant type: single nucleotide variant.
Coding change: c.63614A>T on transcript NM_001267550.2 (MANE Select); coding-DNA position 63614, A replaced by T.
Protein change: p.Lys21205Ile; replaces lysine 21205 with isoleucine.
Molecular consequence: missense variant.
Genome position (GRCh38, 1-based): chr2:178,587,695, T>A on the plus strand (A>T on the coding strand, the complement: TTN is on the minus strand). VCF-style: chr2-178587695-T-A. GRCh37 (hg19) VCF-style: chr2-179452422-T-A.
Other names: c.58691A>T, p.Lys19564Ile (NM_001256850.1); c.36419A>T, p.Lys12140Ile (NM_003319.4); c.55910A>T, p.Lys18637Ile (NM_133378.4); c.36794A>T, p.Lys12265Ile (NM_133432.3); c.36995A>T, p.Lys12332Ile (NM_133437.4); c.63614A>T (NM_001267550.1); short protein forms K18637I, K19564I, K21205I, K12140I, K12265I, K12332I.
Identifiers: ClinVar variation 282881 (VCV000282881.6), dbSNP rs886042512, ClinGen allele CA10604333.

ClinVar aggregate classification (germline): Uncertain significance. Review status: criteria provided, multiple submitters, no conflicts (2 of 4 stars). 2 submissions from 2 submitters: Uncertain significance (2). Last evaluated 2024-05-28.

Allele frequency attached by ClinVar (database versions not stated): gnomAD exomes 0.00001; TOPMed 0.00001.
gnomAD v4.1: 3 of 1,612,926 alleles (0.00019%); highest among the groups gnomAD compares: Admixed American, 0.005%; no homozygotes.

Submissions (2):

GeneDx
Classification: Uncertain significance. Last evaluated: 2024-05-28. Review status: criteria provided, single submitter. Criteria: GeneDx Variant Classification Process June 2021. Collection method: clinical testing. Allele origin: germline. Affected: yes.
Comment: Not observed at significant frequency in large population cohorts (gnomAD); Missense variant in a gene in which most reported pathogenic variants are truncating/loss of function; Has not been previously published as pathogenic or benign to our knowledge

Eurofins Ntd Llc (ga)
Classification: Uncertain significance. Last evaluated: 2015-08-24. Review status: criteria provided, single submitter. Criteria: EGL Classification Definitions 2015. Collection method: clinical testing. Allele origin: germline. Observed: 1 variant allele, 1 heterozygote.